The following is an entry in ClinVar:

NM_001875.5(CPS1):c.1199A>C (p.Lys400Thr)

Gene: CPS1 (carbamoyl-phosphate synthase 1; plus strand). Cytogenetic location: 2q34.
Variant type: single nucleotide variant.
Coding change: c.1199A>C on transcript NM_001875.5 (MANE Select); coding-DNA position 1199, A replaced by C.
Protein change: p.Lys400Thr; replaces lysine 400 with threonine.
Molecular consequence: missense variant. On other transcripts: non-coding transcript variant (2).
Genome position (GRCh38, 1-based): chr2:210,594,542, A>C. VCF-style: chr2-210594542-A-C. GRCh37 (hg19) VCF-style: chr2-211459266-A-C.
Other names: c.1199A>C, p.Lys400Thr (NM_001122633.3, NM_001369257.1); c.1232A>C, p.Lys411Thr (NM_001369256.1); short protein forms K400T, K411T.
Identifiers: ClinVar variation 2121409 (VCV002121409.2), dbSNP rs993817140, ClinGen allele CA64751133.

ClinVar aggregate classification (germline): Uncertain significance (1 of 4 stars; one submission).

Conditions:
Congenital hyperammonemia, type I. Also called: CPS I DEFICIENCY; Carbamoyl phosphate synthetase 1 deficiency; Hyperammonemia due to carbamoyl phosphate synthetase 1 deficiency; CPS 1 deficiency; Carbamyl phosphate synthetase (CPS) deficiency; Carbamoyl phosphate synthetase I deficiency disease. Identifiers: Orphanet 147, MedGen C4082171, MONDO:0009376, OMIM 237300.

Allele frequency attached by ClinVar (database versions not stated): TOPMed below 0.00001; gnomAD 0.00001.
gnomAD v4.1: 1 of 1,611,136 alleles (0.000062%); highest among the groups gnomAD compares: Non-Finnish European, 0.000085%; no homozygotes.

Submission:

Labcorp Genetics (formerly Invitae), Labcorp
Classification: Uncertain significance for Congenital hyperammonemia, type I. Last evaluated: 2025-08-04. Review status: criteria provided, single submitter. Criteria: Invitae Variant Classification Sherloc (09022015). Collection method: clinical testing. Allele origin: germline.
Comment: This sequence change replaces lysine, which is basic and polar, with threonine, which is neutral and polar, at codon 400 of the CPS1 protein (p.Lys400Thr). This variant is not present in population databases (gnomAD no frequency). This variant has not been reported in the literature in individuals affected with CPS1-related conditions. ClinVar contains an entry for this variant (Variation ID: 2121409). Invitae Evidence Modeling of protein sequence and biophysical properties (such as structural, functional, and spatial information, amino acid conservation, physicochemical variation, residue mobility, and thermodynamic stability) indicates that this missense variant is not expected to disrupt CPS1 protein function with a negative predictive value of 95%. In summary, the available evidence is currently insufficient to determine the role of this variant in disease. Therefore, it has been classified as a Variant of Uncertain Significance.